The following is an entry in ClinVar:

ClinVar aggregate classification (germline): Likely pathogenic (1 of 4 stars; one submission).

Conditions:
Nephrotic syndrome. Identifiers: MedGen C0027726, MONDO:0005377, HP:0000100.

gnomAD v4.1: 1 of 1,614,022 alleles (0.000062%); highest among the groups gnomAD compares: Non-Finnish European, 0.000085%; no homozygotes.

Submission:

Dubai Health Genomic Medicine Center, Dubai Health
Classification: Likely pathogenic for Nephrotic syndrome. Last evaluated: 2024-10-04. Review status: criteria provided, single submitter. Criteria: ACMG Guidelines, 2015. Collection method: research. Allele origin: germline. Affected: yes.
Comment: PP1,PP4,PM2,PP3

NM_004646.4(NPHS1):c.1250G>A (p.Cys417Tyr)

Gene: NPHS1 (NPHS1 adhesion molecule, nephrin; minus strand). Cytogenetic location: 19q13.12.
Variant type: single nucleotide variant.
Coding change: c.1250G>A on transcript NM_004646.4 (MANE Select); coding-DNA position 1250, G replaced by A.
Protein change: p.Cys417Tyr; replaces cysteine 417 with tyrosine.
Molecular consequence: missense variant.
Genome position (GRCh38, 1-based): chr19:35,848,318, C>T on the plus strand (G>A on the coding strand, the complement: NPHS1 is on the minus strand). VCF-style: chr19-35848318-C-T. GRCh37 (hg19) VCF-style: chr19-36339220-C-T.
Other names: short protein forms C417Y.
Identifiers: ClinVar variation 3384039 (VCV003384039.1).